The following is an entry in ClinVar:

NM_004260.4(RECQL4):c.614C>T (p.Pro205Leu)

Gene: RECQL4 (RecQ like helicase 4; minus strand). Cytogenetic location: 8q24.3.
Variant type: single nucleotide variant.
Coding change: c.614C>T on transcript NM_004260.4 (MANE Select); coding-DNA position 614, C replaced by T.
Protein change: p.Pro205Leu; replaces proline 205 with leucine.
Molecular consequence: missense variant.
Genome position (GRCh38, 1-based): chr8:144,516,505, G>A on the plus strand (C>T on the coding strand, the complement: RECQL4 is on the minus strand). VCF-style: chr8-144516505-G-A. GRCh37 (hg19) VCF-style: chr8-145741889-G-A.
Other names: short protein forms P205L.
Identifiers: ClinVar variation 528914 (VCV000528914.7), dbSNP rs751975669, ClinGen allele CA4949237.

ClinVar aggregate classification (germline): Uncertain significance. Review status: criteria provided, multiple submitters, no conflicts (2 of 4 stars). 2 submissions from 2 submitters: Uncertain significance (2). Last evaluated 2025-07-30.

Conditions:
Inborn genetic diseases. Identifiers: MedGen C0950123, MeSH D030342.
Baller-Gerold syndrome (BGS). Also called: CRANIOSYNOSTOSIS WITH RADIAL DEFECTS. Identifiers: Orphanet 1225, MedGen C0265308, MONDO:0009039, OMIM 218600.

Allele frequency attached by ClinVar (database versions not stated): gnomAD 0.00001; gnomAD exomes 0.00001; TOPMed 0.00001; ExAC 0.00002.
gnomAD v4.1: 13 of 1,608,998 alleles (0.00081%); highest among the groups gnomAD compares: Non-Finnish European, 0.0011%; no homozygotes.

Submissions (2):

Labcorp Genetics (formerly Invitae), Labcorp
Classification: Uncertain significance for Baller-Gerold syndrome. Last evaluated: 2025-07-30. Review status: criteria provided, single submitter. Criteria: Invitae Variant Classification Sherloc (09022015). Collection method: clinical testing. Allele origin: germline.
Comment: This sequence change replaces proline, which is neutral and non-polar, with leucine, which is neutral and non-polar, at codon 205 of the RECQL4 protein (p.Pro205Leu). This variant is present in population databases (rs751975669, gnomAD 0.003%). This variant has not been reported in the literature in individuals affected with RECQL4-related conditions. ClinVar contains an entry for this variant (Variation ID: 528914). Invitae Evidence Modeling of protein sequence and biophysical properties (such as structural, functional, and spatial information, amino acid conservation, physicochemical variation, residue mobility, and thermodynamic stability) indicates that this missense variant is not expected to disrupt RECQL4 protein function with a negative predictive value of 80%. In summary, the available evidence is currently insufficient to determine the role of this variant in disease. Therefore, it has been classified as a Variant of Uncertain Significance.

Ambry Genetics
Classification: Uncertain significance for Inborn genetic diseases. Last evaluated: 2024-12-06. Review status: criteria provided, single submitter. Criteria: Ambry Variant Classification Scheme 2023. Collection method: clinical testing. Allele origin: germline.
Comment: The p.P205L variant (also known as c.614C>T), located in coding exon 5 of the RECQL4 gene, results from a C to T substitution at nucleotide position 614. The proline at codon 205 is replaced by leucine, an amino acid with similar properties. This amino acid position is conserved. In addition, this alteration is predicted to be tolerated by in silico analysis. Based on the available evidence, the clinical significance of this variant remains unclear.